The following is an entry in ClinVar:

ClinVar aggregate classification (germline): Uncertain significance. Review status: criteria provided, multiple submitters, no conflicts (2 of 4 stars). 3 submissions from 3 submitters: Uncertain significance (3). Last evaluated 2025-09-22.

Conditions:
Hereditary cancer-predisposing syndrome. Also called: Hereditary Cancer Syndrome; Neoplastic Syndromes, Hereditary; Tumor predisposition; Hereditary neoplastic syndrome. Identifiers: Orphanet 140162, MedGen C0027672, MeSH D009386, MONDO:0015356.
Hereditary nonpolyposis colorectal neoplasms. Identifiers: MedGen C0009405, MeSH D003123.

Submissions (3):

Color Diagnostics, LLC DBA Color Health
Classification: Uncertain significance for Hereditary cancer-predisposing syndrome. Last evaluated: 2025-09-22. Review status: criteria provided, single submitter. Criteria: ACMG Guidelines, 2015. Collection method: clinical testing. Allele origin: germline.
Comment: This variant is a single amino acid deletion at codon 249 in the MSH6 protein. To our knowledge, functional studies have not been reported for this variant. This variant has not been reported in individuals affected with MSH6-related disorders in the literature. This variant has not been identified in the general population by the Genome Aggregation Database (gnomAD). The available evidence is insufficient to determine the role of this variant in disease conclusively. Therefore, this variant is classified as a Variant of Uncertain Significance.

Ambry Genetics
Classification: Uncertain significance for Hereditary cancer-predisposing syndrome. Last evaluated: 2025-02-21. Review status: criteria provided, single submitter. Criteria: Ambry Variant Classification Scheme 2023. Collection method: clinical testing. Allele origin: germline.
Comment: The c.744_746delAAG variant (also known as p.R249del) is located in coding exon 4 of the MSH6 gene. This variant results from an in-frame AAG deletion at nucleotide positions 744 to 746. This results in the in-frame deletion of an arginine at codon 249. This amino acid position is highly conserved in available vertebrate species. In addition, the in silico prediction for this alteration is inconclusive (Choi Y et al. PLoS ONE. 2012; 7(10):e46688). Based on the available evidence, the clinical significance of this variant remains unclear.

Labcorp Genetics (formerly Invitae), Labcorp
Classification: Uncertain significance for Hereditary nonpolyposis colorectal neoplasms. Last evaluated: 2024-04-14. Review status: criteria provided, single submitter. Criteria: Invitae Variant Classification Sherloc (09022015). Collection method: clinical testing. Allele origin: germline.
Comment: This variant, c.744_746del, results in the deletion of 1 amino acid(s) of the MSH6 protein (p.Arg249del), but otherwise preserves the integrity of the reading frame. This variant is not present in population databases (gnomAD no frequency). This variant has not been reported in the literature in individuals affected with MSH6-related conditions. ClinVar contains an entry for this variant (Variation ID: 490026). Experimental studies and prediction algorithms are not available or were not evaluated, and the functional significance of this variant is currently unknown. In summary, the available evidence is currently insufficient to determine the role of this variant in disease. Therefore, it has been classified as a Variant of Uncertain Significance.

NM_000179.3(MSH6):c.744_746del (p.Arg249del)

Gene: MSH6 (mutS homolog 6; plus strand). Cytogenetic location: 2p16.3.
Variant type: Deletion.
Coding change: c.744_746del on transcript NM_000179.3 (MANE Select); coding-DNA positions 744 to 746, 3 bases deleted (AAG; older notation c.744_746delAAG).
Protein change: p.Arg249del; deletes arginine 249.
Molecular consequence: inframe deletion. On other transcripts: 5 prime UTR variant (2).
Genome position (GRCh38, 1-based): chr2:47,798,727-47,798,729, AAG deleted; deleting any 3 consecutive bases within chr2:47,798,726-47,798,729 gives the same sequence; the c. name uses the placement nearest the transcript's 3' end. VCF-style (leftmost placement, unchanged base first): chr2-47798725-CGAA-C. GRCh37 (hg19) VCF-style: chr2-48025864-CGAA-C.
Other names: c.354_356del, p.Arg119del (NM_001281492.2); c.-163_-161del (NM_001281493.2, NM_001281494.2); c.744_746delAAG (NM_000179.2); short protein forms R249del, R119del.
Identifiers: ClinVar variation 490026 (VCV000490026.17), dbSNP rs1553412174, ClinGen allele CA658683232.
Genomic context (GRCh38, chr2:47,798,725, plus strand): 5'-GAAGAGGAAGTACAGCCTAAGACACAAGGATCTAGGCGAAGTAGCCGCCAAATAAAAAAA[CGAA>C]GGGTCATATCAGATTCTGAGAGTGACATTGGTGGCTCTGATGTGGAATTTAAGCCAGACA-3'